The following is an entry in ClinVar:

ClinVar aggregate classification (germline): Uncertain significance (1 of 4 stars; one submission).

Conditions:
Peroxisome biogenesis disorder. Identifiers: Orphanet 79189, MedGen C1832200, MONDO:0019234. Disease mechanism: loss of function.

Allele frequency attached by ClinVar (database versions not stated): gnomAD 0.00003; TOPMed 0.00004.
gnomAD v4.1: 13 of 1,613,656 alleles (0.00081%); highest among the groups gnomAD compares: East Asian, 0.0089%; no homozygotes.

Submissions (2):

Labcorp Genetics (formerly Invitae), Labcorp
Classification: Uncertain significance for Peroxisome biogenesis disorder. Last evaluated: 2025-01-13. Review status: criteria provided, single submitter. Criteria: Invitae Variant Classification Sherloc (09022015). Collection method: clinical testing. Allele origin: germline.
Comment: This sequence change replaces arginine, which is basic and polar, with tryptophan, which is neutral and slightly polar, at codon 379 of the PEX6 protein (p.Arg379Trp). This variant is present in population databases (no rsID available, gnomAD 0.02%). This variant has not been reported in the literature in individuals affected with PEX6-related conditions. ClinVar contains an entry for this variant (Variation ID: 2152848). Invitae Evidence Modeling of protein sequence and biophysical properties (such as structural, functional, and spatial information, amino acid conservation, physicochemical variation, residue mobility, and thermodynamic stability) indicates that this missense variant is not expected to disrupt PEX6 protein function with a negative predictive value of 95%. In summary, the available evidence is currently insufficient to determine the role of this variant in disease. Therefore, it has been classified as a Variant of Uncertain Significance.

Dr. Peter K. Rogan Lab, Western University
No classification provided (evidence only). Condition: Malignant tumor of urinary bladder. Review status: no classification provided. Collection method: in vitro. Allele origin: not applicable. Functional consequence: retained intron. Not counted in ClinVar's aggregate classification.

NM_000287.4(PEX6):c.1135C>T (p.Arg379Trp)

Gene: PEX6 (peroxisomal biogenesis factor 6; minus strand). Cytogenetic location: 6p21.1.
Variant type: single nucleotide variant.
Coding change: c.1135C>T on transcript NM_000287.4 (MANE Select); coding-DNA position 1135, C replaced by T.
Protein change: p.Arg379Trp; replaces arginine 379 with tryptophan.
Molecular consequence: missense variant. On other transcripts: non-coding transcript variant (1).
Genome position (GRCh38, 1-based): chr6:42,969,983, G>A on the plus strand (C>T on the coding strand, the complement: PEX6 is on the minus strand). VCF-style: chr6-42969983-G-A. GRCh37 (hg19) VCF-style: chr6-42937721-G-A.
Other names: c.871C>T, p.Arg291Trp (NM_001316313.2); short protein forms R291W, R379W.
Identifiers: ClinVar variation 2152848 (VCV002152848.3), dbSNP rs1242919516, ClinGen allele CA364156306.